The following is an entry in ClinVar:

ClinVar aggregate classification (germline): Likely benign (1 of 4 stars; one submission).

gnomAD v4.1: 11 of 1,613,970 alleles (0.00068%); highest among the groups gnomAD compares: Non-Finnish European, 0.00093%; no homozygotes.

Submission:

CeGaT Center for Human Genetics Tuebingen
Classification: Likely benign. Last evaluated: 2025-10-01. Review status: criteria provided, single submitter. Criteria: CeGaT Center For Human Genetics Tuebingen Variant Classification Criteria Version 2. Collection method: clinical testing. Allele origin: germline. Affected: yes. Observed: 1 variant allele.
Comment: BMP2: BP4, BP7

NM_001200.4(BMP2):c.804C>T (p.Gly268=)

Gene: BMP2 (bone morphogenetic protein 2; plus strand). Cytogenetic location: 20p12.3.
Variant type: single nucleotide variant.
Coding change: c.804C>T on transcript NM_001200.4 (MANE Select); coding-DNA position 804, C replaced by T.
Protein change: p.Gly268=; no amino-acid change (glycine 268 retained).
Molecular consequence: synonymous variant.
Genome position (GRCh38, 1-based): chr20:6,778,702, C>T. VCF-style: chr20-6778702-C-T. GRCh37 (hg19) VCF-style: chr20-6759349-C-T.
Identifiers: ClinVar variation 4534640 (VCV004534640.6).